The following is an entry in ClinVar:

NM_007194.4(CHEK2):c.865A>T (p.Lys289Ter)

Gene: CHEK2 (checkpoint kinase 2; minus strand). Cytogenetic location: 22q12.1.
Variant type: single nucleotide variant.
Coding change: c.865A>T on transcript NM_007194.4 (MANE Select); coding-DNA position 865, A replaced by T.
Protein change: p.Lys289Ter; replaces lysine 289 with a stop codon.
Molecular consequence: nonsense.
Genome position (GRCh38, 1-based): chr22:28,703,548, T>A on the plus strand (A>T on the coding strand, the complement: CHEK2 is on the minus strand). VCF-style: chr22-28703548-T-A. GRCh37 (hg19) VCF-style: chr22-29099536-T-A.
Other names: c.994A>T, p.Lys332Ter (NM_001005735.3); c.202A>T, p.Lys68Ter (NM_001257387.3); c.664A>T, p.Lys222Ter (NM_001349956.3); c.865A>T, p.Lys289Ter (NM_145862.3); short protein forms K222*, K289*, K332*, K68*.
Identifiers: ClinVar variation 2584218 (VCV002584218.6), dbSNP rs2517886828, ClinGen allele CA411101227.
Genomic context (GRCh38, chr22:28,703,548, plus strand): 5'-AAAAGTTTACTACTTACAATTCCAAAACAATATAATAATCTTCTGCATCAAAAAAGTTTT[T>A]AATCTTGATGATGCAAGGCTAAGAAGAGGGGGAGAAAAAAGGGAAAGTAGTGAGAAACTC-3'

ClinVar aggregate classification (germline): Pathogenic/Likely pathogenic. Review status: criteria provided, multiple submitters, no conflicts (2 of 4 stars). 3 submissions from 3 submitters: Pathogenic (2); Likely pathogenic (1). Last evaluated 2024-02-19.

Conditions:
Familial cancer of breast. Also called: BREAST CANCER, FAMILIAL; hereditary breast carcinoma; Hereditary breast cancer. Identifiers: Orphanet 227535, MedGen C0346153, MONDO:0016419, OMIM 114480. Disease mechanism: loss of function.

Submissions (3):

Baylor Genetics
Classification: Likely pathogenic for Familial cancer of breast. Last evaluated: 2024-02-19. Review status: criteria provided, single submitter. Criteria: ACMG Guidelines, 2015. Collection method: clinical testing. Allele origin: unknown.

Labcorp Genetics (formerly Invitae), Labcorp
Classification: Pathogenic for Familial cancer of breast. Last evaluated: 2023-07-19. Review status: criteria provided, single submitter. Criteria: Invitae Variant Classification Sherloc (09022015). Collection method: clinical testing. Allele origin: germline.
Comment: This sequence change creates a premature translational stop signal (p.Lys289*) in the CHEK2 gene. It is expected to result in an absent or disrupted protein product. Loss-of-function variants in CHEK2 are known to be pathogenic (PMID: 21876083, 24713400). This variant is not present in population databases (gnomAD no frequency). This variant has not been reported in the literature in individuals affected with CHEK2-related conditions. For these reasons, this variant has been classified as Pathogenic.

Myriad Genetics, Inc.
Classification: Pathogenic for Familial cancer of breast. Last evaluated: 2023-06-27. Review status: criteria provided, single submitter. Criteria: Myriad Autosomal Dominant, Autosomal Recessive and X-Linked Classification Criteria (2023). Collection method: clinical testing. Allele origin: unknown.
Comment: This variant is considered pathogenic. This variant creates a termination codon and is predicted to result in premature protein truncation.

Literature cited by the submitters: PubMed 21876083 (cited by Labcorp Genetics (formerly Invitae), Labcorp); PubMed 24713400 (cited by Labcorp Genetics (formerly Invitae), Labcorp).